The following is an entry in ClinVar:

NM_148959.4(HUS1B):c.530G>C (p.Ser177Thr)

Genes: EXOC2 (exocyst complex component 2; minus strand), HUS1B (HUS1 checkpoint clamp component B; minus strand). Cytogenetic location: 6p25.3.
Variant type: single nucleotide variant.
Coding change: c.530G>C on transcript NM_148959.4 (MANE Select); coding-DNA position 530, G replaced by C.
Protein change: p.Ser177Thr; replaces serine 177 with threonine.
Molecular consequence: missense variant. On other transcripts: intron variant (1).
Genome position (GRCh38, 1-based): chr6:656,415, C>G on the plus strand (G>C on the coding strand, the complement: HUS1B is on the minus strand). VCF-style: chr6-656415-C-G. GRCh37 (hg19) VCF-style: chr6-656415-C-G.
Other names: c.-43-18554G>C (NM_018303.6); short protein forms S177T.
Identifiers: ClinVar variation 4533492 (VCV004533492.6).

ClinVar aggregate classification (germline): Likely benign (1 of 4 stars; one submission).

gnomAD v4.1: 826 of 1,614,098 alleles (0.051%); highest among the groups gnomAD compares: East Asian, 1.4%; 3 homozygotes.

Submission:

CeGaT Center for Human Genetics Tuebingen
Classification: Likely benign. Last evaluated: 2025-10-01. Review status: criteria provided, single submitter. Criteria: CeGaT Center For Human Genetics Tuebingen Variant Classification Criteria Version 2. Collection method: clinical testing. Allele origin: germline. Affected: yes. Observed: 1 variant allele.
Comment: HUS1B: BP4, BS1